The following is an entry in ClinVar:

ClinVar aggregate classification (germline): Benign/Likely benign. Review status: criteria provided, multiple submitters, no conflicts (2 of 4 stars). 3 submissions from 3 submitters: Benign (1); Likely benign (2). Last evaluated 2026-03-09.

Conditions:
P2RX2-related disorder. Also called: P2RX2-related condition.

gnomAD v4.1: 70 of 1,613,340 alleles (0.0043%); highest among the groups gnomAD compares: East Asian, 0.062%; 1 homozygote.

Submissions (3):

PreventionGenetics, part of Exact Sciences
Classification: Likely benign for P2RX2-related condition. Last evaluated: 2026-03-09. Review status: criteria provided, single submitter. Criteria: ACMG Guidelines, 2015. Collection method: clinical testing. Allele origin: germline.
Comment: This variant is classified as likely benign based on ACMG/AMP sequence variant interpretation guidelines (Richards et al. 2015 PMID: 25741868, with internal and published modifications).

Women's Health and Genetics/Laboratory Corporation of America, LabCorp
Classification: Likely benign. Last evaluated: 2025-12-15. Review status: criteria provided, single submitter. Criteria: LabCorp Variant Classification Summary - May 2015. Collection method: clinical testing. Allele origin: germline.

Labcorp Genetics (formerly Invitae), Labcorp
Classification: Benign. Last evaluated: 2025-11-23. Review status: criteria provided, single submitter. Criteria: Invitae Variant Classification Sherloc (09022015). Collection method: clinical testing. Allele origin: germline.

NM_170682.4(P2RX2):c.1152G>A (p.Pro384=)

Gene: P2RX2 (purinergic receptor P2X 2; plus strand). Cytogenetic location: 12q24.33.
Variant type: single nucleotide variant.
Coding change: c.1152G>A on transcript NM_170682.4 (MANE Select); coding-DNA position 1152, G replaced by A.
Protein change: p.Pro384=; no amino-acid change (proline 384 retained).
Molecular consequence: synonymous variant. On other transcripts: 3 prime UTR variant (1), intron variant (2).
Genome position (GRCh38, 1-based): chr12:132,621,708, G>A. VCF-style: chr12-132621708-G-A. GRCh37 (hg19) VCF-style: chr12-133198294-G-A.
Other names: c.*199G>A (NM_001282165.2); c.936G>A, p.Pro312= (NM_012226.5); c.1080G>A, p.Pro360= (NM_016318.4); c.1230G>A, p.Pro410= (NM_170683.4); c.876G>A, p.Pro292= (NM_174872.3); c.1140+12G>A (NM_174873.3); c.1038+12G>A (NM_001282164.2); c.1230G>A (NM_170683.3).
Identifiers: ClinVar variation 4688288 (VCV004688288.3).